The following is an entry in ClinVar:

ClinVar aggregate classification (germline): Uncertain significance (1 of 4 stars; one submission).

Conditions:
Hereditary pancreatitis (PCTT). Also called: Hereditary chronic pancreatitis; PRSS1-Related Hereditary Pancreatitis. Identifiers: Orphanet 676, MedGen C0238339, MONDO:0008185, OMIM 167800.

Allele frequency attached by ClinVar (database versions not stated): gnomAD exomes below 0.00001.

Submission:

Ambry Genetics
Classification: Uncertain significance for Hereditary pancreatitis. Last evaluated: 2024-01-31. Review status: criteria provided, single submitter. Criteria: Ambry Variant Classification Scheme 2023. Collection method: clinical testing. Allele origin: germline.
Comment: The p.K248R variant (also known as c.743A>G), located in coding exon 7 of the CTRC gene, results from an A to G substitution at nucleotide position 743. The lysine at codon 248 is replaced by arginine, an amino acid with highly similar properties. This amino acid position is conserved. In addition, the in silico prediction for this alteration is inconclusive. Based on the available evidence, the clinical significance of this alteration remains unclear.

NM_007272.3(CTRC):c.743A>G (p.Lys248Arg)

Gene: CTRC (chymotrypsin C; plus strand). Cytogenetic location: 1p36.21.
Variant type: single nucleotide variant.
Coding change: c.743A>G on transcript NM_007272.3 (MANE Select); coding-DNA position 743, A replaced by G.
Protein change: p.Lys248Arg; replaces lysine 248 with arginine.
Molecular consequence: missense variant.
Genome position (GRCh38, 1-based): chr1:15,445,700, A>G. VCF-style: chr1-15445700-A-G. GRCh37 (hg19) VCF-style: chr1-15772195-A-G.
Other names: short protein forms K248R.
Identifiers: ClinVar variation 3226089 (VCV003226089.1), dbSNP rs2526303736, ClinGen allele CA338567884.
Genomic context (GRCh38, chr1:15,445,700, plus strand): 5'-CCTGGGAGGTGTTTGGCATCGTCAGCTTTGGCTCCCGGCGGGGCTGCAACACCCGCAAGA[A>G]GCCGGTAGTCTACACCCGGGTGTCCGCCTACATCGACTGGATCAACGAGGTGGGTGCTGC-3'
Protein context (NP_009203.2, residues 238-258): GSRRGCNTRK[Lys248Arg]PVVYTRVSAY